The following is an entry in ClinVar:

NM_004519.4(KCNQ3):c.1576C>T (p.Gln526Ter)

Gene: KCNQ3 (potassium voltage-gated channel subfamily Q member 3; minus strand). Cytogenetic location: 8q24.22.
Variant type: single nucleotide variant.
Coding change: c.1576C>T on transcript NM_004519.4 (MANE Select); coding-DNA position 1576, C replaced by T.
Protein change: p.Gln526Ter; replaces glutamine 526 with a stop codon.
Molecular consequence: nonsense.
Genome position (GRCh38, 1-based): chr8:132,138,009, G>A on the plus strand (C>T on the coding strand, the complement: KCNQ3 is on the minus strand). VCF-style: chr8-132138009-G-A. GRCh37 (hg19) VCF-style: chr8-133150256-G-A.
Other names: c.1576C>T (NM_004519.3); c.1216C>T, p.Gln406Ter (NM_001204824.2); short protein forms Q406*, Q526*.
Identifiers: ClinVar variation 2724292 (VCV002724292.4), dbSNP rs2536875506, ClinGen allele CA372219363.
Genomic context (GRCh38, chr8:132,138,009, plus strand): 5'-CATCCTTCACATCGTAAGGCCTCAAAGTCTCCTTGAATTTTTTTTTATAGAGACGGAATT[G>A]TAGAATTCTGCAAGGCAAAGTAGAGGCATTTGTGCATCCCATGTGGAGAGTGCGGGGAGC-3'

ClinVar aggregate classification (germline): Conflicting classifications of pathogenicity. Review status: criteria provided, conflicting classifications (1 of 4 stars). 2 submissions from 2 submitters: Pathogenic (1); Uncertain significance (1). Last evaluated 2026-03-17.

Conditions:
Benign neonatal seizures. Also called: Benign familial neonatal epilepsy; Convulsions benign familial neonatal dominant form; Autosomal dominant form of benign neonatal seizures; Benign familial neonatal seizures; Benign neonatal familial convulsions. Identifiers: Orphanet 1949, MedGen C0220669, MONDO:0016027.

Submissions (2):

GeneDx
Classification: Uncertain significance. Last evaluated: 2026-03-17. Review status: criteria provided, single submitter. Criteria: GeneDx Variant Classification Process June 2021. Collection method: clinical testing. Allele origin: germline.
Comment: Nonsense variant predicted to result in protein truncation or nonsense mediated decay in a gene or region of a gene for which loss of function is not a well-established mechanism of disease; Not observed at significant frequency in large population cohorts (gnomAD); Has not been previously published as pathogenic or benign to our knowledge

Labcorp Genetics (formerly Invitae), Labcorp
Classification: Pathogenic for Benign neonatal seizures. Last evaluated: 2025-10-13. Review status: criteria provided, single submitter. Criteria: Invitae Variant Classification Sherloc (09022015). Collection method: clinical testing. Allele origin: germline.
Comment: This sequence change creates a premature translational stop signal (p.Gln526*) in the KCNQ3 gene. It is expected to result in an absent or disrupted protein product. Loss-of-function variants in KCNQ3 are known to be pathogenic (PMID: 29383681, 29852413). This variant is not present in population databases (gnomAD no frequency). This variant has not been reported in the literature in individuals affected with KCNQ3-related conditions. ClinVar contains an entry for this variant (Variation ID: 2724292). Algorithms developed to predict the effect of sequence changes on RNA splicing suggest that this variant may disrupt the consensus splice site. For these reasons, this variant has been classified as Pathogenic.

Literature cited by the submitters: PubMed 29383681 (cited by Labcorp Genetics (formerly Invitae), Labcorp); PubMed 29852413 (cited by Labcorp Genetics (formerly Invitae), Labcorp).